The following is an entry in ClinVar:

ClinVar aggregate classification (germline): Pathogenic (1 of 4 stars; one submission).

Conditions:
Deficiency of adenosine deaminase 2. Also called: Polyarteritis nodosa, childhoood-onset; Adenosine Deaminase 2 Deficiency; VASCULITIS, AUTOINFLAMMATION, IMMUNODEFICIENCY, AND HEMATOLOGIC DEFECTS SYNDROME. Identifiers: Orphanet 404553, MedGen C3887654, MONDO:0014306, OMIM 615688, MONDO:0100317.

gnomAD v4.1: 1 of 1,613,896 alleles (0.000062%); highest among the groups gnomAD compares: Admixed American, 0.0017%; no homozygotes.

Submission:

Labcorp Genetics (formerly Invitae), Labcorp
Classification: Pathogenic for Deficiency of adenosine deaminase 2. Last evaluated: 2024-05-16. Review status: criteria provided, single submitter. Criteria: Invitae Variant Classification Sherloc (09022015). Collection method: clinical testing. Allele origin: germline.
Comment: This sequence change creates a premature translational stop signal (p.Tyr220*) in the ADA2 gene. It is expected to result in an absent or disrupted protein product. Loss-of-function variants in ADA2 are known to be pathogenic (PMID: 24552284, 24552285). This variant is present in population databases (no rsID available, gnomAD 0.003%). This premature translational stop signal has been observed in individual(s) with deficiency of adenosine deaminase 2 (PMID: 28974505). ClinVar contains an entry for this variant (Variation ID: 2417153). Algorithms developed to predict the effect of sequence changes on RNA splicing suggest that this variant may disrupt the consensus splice site. For these reasons, this variant has been classified as Pathogenic.

Literature cited by the submitters: PubMed 24552284; PubMed 24552285; PubMed 28974505.

NM_001282225.2(ADA2):c.660C>G (p.Tyr220Ter)

Gene: ADA2 (adenosine deaminase 2; minus strand). Cytogenetic location: 22q11.1.
Variant type: single nucleotide variant.
Coding change: c.660C>G on transcript NM_001282225.2 (MANE Select); coding-DNA position 660, C replaced by G.
Protein change: p.Tyr220Ter; replaces tyrosine 220 with a stop codon.
Molecular consequence: nonsense.
Genome position (GRCh38, 1-based): chr22:17,203,656, G>C on the plus strand (C>G on the coding strand, the complement: ADA2 is on the minus strand). VCF-style: chr22-17203656-G-C. GRCh37 (hg19) VCF-style: chr22-17684546-G-C.
Other names: c.660C>G, p.Tyr220Ter (NM_001282226.2); c.534C>G, p.Tyr178Ter (NM_001282227.2, NM_001282228.2); c.300C>G, p.Tyr100Ter (NM_001282229.2); short protein forms Y100*, Y178*, Y220*.
Identifiers: ClinVar variation 2417153 (VCV002417153.8), dbSNP rs2231487, ClinGen allele CA410228294.
Genomic context (GRCh38, chr22:17,203,656, plus strand): 5'-CACGTTGTCCTCGTAGAACTCCTGCATGCTCCGGAAGACATAGTCTCTGAACACTGGTGC[G>C]TAATGGATGAGACCAGAGATGGTGAAGAAGATGGTTTCAAATTTCGACCAGACAACATTT-3'